The following is an entry in ClinVar:

ClinVar aggregate classification (germline): Likely benign. Review status: criteria provided, multiple submitters, no conflicts (2 of 4 stars). 4 submissions from 4 submitters: Likely benign (4). Last evaluated 2025-07-02.

Conditions:
YY1AP1-related disorder. Also called: YY1AP1-related condition.

Allele frequency attached by ClinVar (database versions not stated): ESP Exome Variant Server 0.00015; 1000 Genomes Project 30x 0.00016; 1000 Genomes Project 0.00020; TOPMed 0.00044; gnomAD 0.00054.
gnomAD v4.1: 1,552 of 1,614,136 alleles (0.096%); highest among the groups gnomAD compares: Non-Finnish European, 0.12%; no homozygotes.

Submissions (4):

PreventionGenetics, part of Exact Sciences
Classification: Likely benign for YY1AP1-related condition. Last evaluated: 2025-07-02. Review status: criteria provided, single submitter. Criteria: ACMG Guidelines, 2015. Collection method: clinical testing. Allele origin: germline.
Comment: This variant is classified as likely benign based on ACMG/AMP sequence variant interpretation guidelines (Richards et al. 2015 PMID: 25741868, with internal and published modifications).

CeGaT Center for Human Genetics Tuebingen
Classification: Likely benign. Last evaluated: 2023-12-01. Review status: criteria provided, single submitter. Criteria: CeGaT Center For Human Genetics Tuebingen Variant Classification Criteria Version 2. Collection method: clinical testing. Allele origin: germline. Affected: yes. Observed: 1 variant allele.
Comment: YY1AP1: BP4, BP7

Labcorp Genetics (formerly Invitae), Labcorp
Classification: Likely benign. Last evaluated: 2018-10-30. Review status: criteria provided, single submitter. Criteria: Invitae Variant Classification Sherloc (09022015). Collection method: clinical testing. Allele origin: germline.

Breakthrough Genomics
Classification: Likely benign. Review status: criteria provided, single submitter. Criteria: ACMG Guidelines, 2015. Collection method: not provided. Allele origin: germline. Inheritance: Autosomal recessive inheritance. Affected: yes.

NM_139119.3(YY1AP1):c.1461C>T (p.Pro487=)

Gene: YY1AP1 (YY1 associated protein 1; minus strand). Cytogenetic location: 1q22.
Variant type: single nucleotide variant.
Coding change: c.1461C>T on transcript NM_139119.3 (MANE Select); coding-DNA position 1461, C replaced by T.
Protein change: p.Pro487=; no amino-acid change (proline 487 retained).
Molecular consequence: synonymous variant. On other transcripts: 3 prime UTR variant (1).
Genome position (GRCh38, 1-based): chr1:155,660,449, G>A on the plus strand (C>T on the coding strand, the complement: YY1AP1 is on the minus strand). VCF-style: chr1-155660449-G-A. GRCh37 (hg19) VCF-style: chr1-155630240-G-A.
Other names: c.1428C>T, p.Pro476= (NM_001198899.2, NM_001198900.2, NM_018253.4); c.1461C>T, p.Pro487= (NM_001198901.2, NM_001198902.2); c.1875C>T, p.Pro625= (NM_001198903.1); c.1815C>T, p.Pro605= (NM_001198904.1); c.1401C>T, p.Pro467= (NM_001198905.2); c.*404C>T (NM_001198906.2); c.1599C>T, p.Pro533= (NM_139118.3); c.1263C>T, p.Pro421= (NM_139121.3).
Identifiers: ClinVar variation 725700 (VCV000725700.27), dbSNP rs142902174, ClinGen allele CA1148488.
Genomic context (GRCh38, chr1:155,660,449, plus strand): 5'-AGGGGCAGAAGAGAGCAAAGTCTGGGACTCAGACAGAGGGAAGCTTGTCCTGGCCTCAGG[G>A]GGCATAGCAGGCAGTGCTGCAGGAGACTCAAAACTCTCACCTCCACTGACCCCCAGTGGA-3'
Protein context (NP_620830.1, residues 477-497): FESPAALPAM[Pro487=]PEARTSFPLS